The following is an entry in ClinVar:

ClinVar aggregate classification (germline): Uncertain significance (1 of 4 stars; one submission).

Conditions:
Hereditary cancer-predisposing syndrome. Also called: Neoplastic Syndromes, Hereditary; Tumor predisposition; Hereditary neoplastic syndrome; Hereditary Cancer Syndrome. Identifiers: Orphanet 140162, MedGen C0027672, MeSH D009386, MONDO:0015356.

Submission:

Ambry Genetics
Classification: Uncertain significance for Hereditary cancer-predisposing syndrome. Last evaluated: 2026-08-12. Review status: criteria provided, single submitter. Criteria: Ambry Variant Classification Scheme 2023. Collection method: clinical testing. Allele origin: germline.
Comment: The p.S317G variant (also known as c.949A>G), located in coding exon 2 of the AXIN2 gene, results from an A to G substitution at nucleotide position 949. The serine at codon 317 is replaced by glycine, an amino acid with similar properties. This amino acid position is highly conserved in available vertebrate species. In addition, the in silico prediction for this alteration is inconclusive. Based on the available evidence, the clinical significance of this variant remains unclear.

NM_004655.4(AXIN2):c.949A>G (p.Ser317Gly)

Gene: AXIN2 (axin 2; minus strand). Cytogenetic location: 17q24.1.
Variant type: single nucleotide variant.
Coding change: c.949A>G on transcript NM_004655.4 (MANE Select); coding-DNA position 949, A replaced by G.
Protein change: p.Ser317Gly; replaces serine 317 with glycine.
Molecular consequence: missense variant.
Genome position (GRCh38, 1-based): chr17:65,549,527, T>C on the plus strand (A>G on the coding strand, the complement: AXIN2 is on the minus strand). VCF-style: chr17-65549527-T-C. GRCh37 (hg19) VCF-style: chr17-63545645-T-C.
Other names: c.949A>G, p.Ser317Gly (NM_001363813.1); short protein forms S317G.
Identifiers: ClinVar variation 5032673 (VCV005032673.1).